The following is an entry in ClinVar:

NM_001845.6(COL4A1):c.3899T>C (p.Ile1300Thr)

Gene: COL4A1 (collagen type IV alpha 1 chain; minus strand). Cytogenetic location: 13q34.
Variant type: single nucleotide variant.
Coding change: c.3899T>C on transcript NM_001845.6 (MANE Select); coding-DNA position 3899, T replaced by C.
Protein change: p.Ile1300Thr; replaces isoleucine 1300 with threonine.
Molecular consequence: missense variant.
Genome position (GRCh38, 1-based): chr13:110,167,208, A>G on the plus strand (T>C on the coding strand, the complement: COL4A1 is on the minus strand). VCF-style: chr13-110167208-A-G. GRCh37 (hg19) VCF-style: chr13-110819555-A-G.
Other names: c.3899T>C (NM_001845.4); short protein forms I1300T.
Identifiers: ClinVar variation 546732 (VCV000546732.46), dbSNP rs758276496, ClinGen allele CA7047102.
Genomic context (GRCh38, chr13:110,167,208, plus strand): 5'-GCTGTCTTACCTTGAAATCCTGGAACTCCTGGAGGCCCCATATCACCCTTAGAGCCTGTG[A>G]TTCCTGGAGAGCCACCAATACCCTAGACACGCAAAGAGGAGGTTGGGAATTGCTCAGGAT-3'
Protein context (NP_001836.3, residues 1290-1310): GMPGIGGSPG[Ile1300Thr]TGSKGDMGPP

ClinVar aggregate classification (germline): Uncertain significance. Review status: criteria provided, multiple submitters, no conflicts (2 of 4 stars). 3 submissions from 3 submitters: Uncertain significance (3). Last evaluated 2026-02-01.

Allele frequency attached by ClinVar (database versions not stated): gnomAD exomes below 0.00001; ExAC 0.00001; TOPMed 0.00002; gnomAD 0.00003.
gnomAD v4.1: 13 of 1,613,888 alleles (0.00081%); highest among the groups gnomAD compares: Non-Finnish European, 0.0011%; no homozygotes.

Submissions (3):

Labcorp Genetics (formerly Invitae), Labcorp
Classification: Uncertain significance. Last evaluated: 2026-02-01. Review status: criteria provided, single submitter. Criteria: Invitae Variant Classification Sherloc (09022015). Collection method: clinical testing. Allele origin: germline.
Comment: This sequence change replaces isoleucine, which is neutral and non-polar, with threonine, which is neutral and polar, at codon 1300 of the COL4A1 protein (p.Ile1300Thr). This variant is present in population databases (rs758276496, gnomAD 0.0009%). This variant has not been reported in the literature in individuals affected with COL4A1-related conditions. ClinVar contains an entry for this variant (Variation ID: 546732). Invitae Evidence Modeling of protein sequence and biophysical properties (such as structural, functional, and spatial information, amino acid conservation, physicochemical variation, residue mobility, and thermodynamic stability) indicates that this missense variant is not expected to disrupt COL4A1 protein function with a negative predictive value of 95%. In summary, the available evidence is currently insufficient to determine the role of this variant in disease. Therefore, it has been classified as a Variant of Uncertain Significance.

GeneDx
Classification: Uncertain significance. Last evaluated: 2023-06-13. Review status: criteria provided, single submitter. Criteria: GeneDx Variant Classification Process June 2021. Collection method: clinical testing. Allele origin: germline. Affected: yes.
Comment: Has not been previously published as pathogenic or benign to our knowledge; In silico analysis supports that this missense variant does not alter protein structure/function; Not observed at significant frequency in large population cohorts (gnomAD); Occurs in the triple helical domain at the X position in the canonical Gly-X-Y repeat; although this variant may have an effect on normal protein folding and function, missense substitution at the X position is not a common mechanism of disease (HGMD)

CeGaT Center for Human Genetics Tuebingen
Classification: Uncertain significance. Last evaluated: 2023-02-01. Review status: criteria provided, single submitter. Criteria: CeGaT Center For Human Genetics Tuebingen Variant Classification Criteria Version 2. Collection method: clinical testing. Allele origin: germline. Affected: yes. Observed: 2 variant alleles.